The following is an entry in ClinVar:

NM_145725.3(TRAF3):c.403G>A (p.Val135Met)

Gene: TRAF3 (TNF receptor associated factor 3; plus strand). Cytogenetic location: 14q32.32.
Variant type: single nucleotide variant.
Coding change: c.403G>A on transcript NM_145725.3 (MANE Select); coding-DNA position 403, G replaced by A.
Protein change: p.Val135Met; replaces valine 135 with methionine.
Molecular consequence: missense variant.
Genome position (GRCh38, 1-based): chr14:102,876,358, G>A. VCF-style: chr14-102876358-G-A. GRCh37 (hg19) VCF-style: chr14-103342695-G-A.
Other names: c.403G>A, p.Val135Met (NM_001385143.1, NM_003300.4, NM_145726.3 and 2 more transcripts); short protein forms V135M.
Identifiers: ClinVar variation 2819044 (VCV002819044.3), dbSNP rs1159452075, ClinGen allele CA391070455.

ClinVar aggregate classification (germline): Uncertain significance (1 of 4 stars; one submission).

Conditions:
Immunodeficiency 132A. Also called: Herpes simplex encephalitis, susceptibility to, 3. Identifiers: Orphanet 1930, MedGen C3553868, MONDO:0013920, OMIM 614849.

gnomAD v4.1: 2 of 1,614,074 alleles (0.00012%); highest among the groups gnomAD compares: Admixed American, 0.0017%; no homozygotes.

Submission:

Labcorp Genetics (formerly Invitae), Labcorp
Classification: Uncertain significance for Immunodeficiency 132A. Last evaluated: 2023-06-03. Review status: criteria provided, single submitter. Criteria: Invitae Variant Classification Sherloc (09022015). Collection method: clinical testing. Allele origin: germline.
Comment: This sequence change replaces valine, which is neutral and non-polar, with methionine, which is neutral and non-polar, at codon 135 of the TRAF3 protein (p.Val135Met). This variant is present in population databases (no rsID available, gnomAD 0.003%). This variant has not been reported in the literature in individuals affected with TRAF3-related conditions. Algorithms developed to predict the effect of missense changes on protein structure and function output the following: SIFT: "Not Available"; PolyPhen-2: "Benign"; Align-GVGD: "Not Available". The methionine amino acid residue is found in multiple mammalian species, which suggests that this missense change does not adversely affect protein function. In summary, the available evidence is currently insufficient to determine the role of this variant in disease. Therefore, it has been classified as a Variant of Uncertain Significance.